The following is an entry in ClinVar:

NM_014049.5(ACAD9):c.1635C>T (p.Ala545=)

Genes: ACAD9 (acyl-CoA dehydrogenase family member 9; plus strand), CFAP92 (cilia and flagella associated protein 92 (putative); minus strand). Cytogenetic location: 3q21.3.
Variant type: single nucleotide variant.
Coding change: c.1635C>T on transcript NM_014049.5 (MANE Select); coding-DNA position 1635, C replaced by T.
Protein change: p.Ala545=; no amino-acid change (alanine 545 retained).
Molecular consequence: synonymous variant. On other transcripts: non-coding transcript variant (1), 3 prime UTR variant (3).
Genome position (GRCh38, 1-based): chr3:128,910,092, C>T. VCF-style: chr3-128910092-C-T. GRCh37 (hg19) VCF-style: chr3-128628935-C-T.
Other names: c.1266C>T, p.Ala422= (NM_001410805.1); c.*207G>A (NM_001348520.2, NM_001348521.2, NM_001394090.1).
Identifiers: ClinVar variation 1119069 (VCV001119069.32), dbSNP rs754646501, ClinGen allele CA2601626.

ClinVar aggregate classification (germline): Conflicting classifications of pathogenicity. Review status: criteria provided, conflicting classifications (1 of 4 stars). 2 submissions from 2 submitters: Uncertain significance (1); Likely benign (1). Last evaluated 2024-09-21.

Allele frequency attached by ClinVar (database versions not stated): gnomAD 0.00001; gnomAD exomes 0.00001.
gnomAD v4.1: 15 of 1,613,688 alleles (0.00093%); highest among the groups gnomAD compares: South Asian, 0.0055%; no homozygotes.

Submissions (2):

Labcorp Genetics (formerly Invitae), Labcorp
Classification: Likely benign. Last evaluated: 2024-09-21. Review status: criteria provided, single submitter. Criteria: Invitae Variant Classification Sherloc (09022015). Collection method: clinical testing. Allele origin: germline.

CeGaT Center for Human Genetics Tuebingen
Classification: Uncertain significance. Last evaluated: 2023-08-01. Review status: criteria provided, single submitter. Criteria: CeGaT Center For Human Genetics Tuebingen Variant Classification Criteria Version 2. Collection method: clinical testing. Allele origin: germline. Affected: yes. Observed: 1 variant allele.
Comment: ACAD9: PM2, PM5, BP4